The following is an entry in ClinVar:

NM_000179.3(MSH6):c.3904G>A (p.Ala1302Thr)

Gene: MSH6 (mutS homolog 6; plus strand). Cytogenetic location: 2p16.3.
Variant type: single nucleotide variant.
Coding change: c.3904G>A on transcript NM_000179.3 (MANE Select); coding-DNA position 3904, G replaced by A.
Protein change: p.Ala1302Thr; replaces alanine 1302 with threonine.
Molecular consequence: missense variant.
Genome position (GRCh38, 1-based): chr2:47,806,554, G>A. VCF-style: chr2-47806554-G-A. GRCh37 (hg19) VCF-style: chr2-48033693-G-A.
Other names: c.3514G>A, p.Ala1172Thr (NM_001281492.2); c.2998G>A, p.Ala1000Thr (NM_001281493.2, NM_001281494.2); short protein forms A1302T, A1172T, A1000T.
Identifiers: ClinVar variation 455306 (VCV000455306.24), dbSNP rs1553333561, ClinGen allele CA346761429.

ClinVar aggregate classification (germline): Conflicting classifications of pathogenicity. Review status: criteria provided, conflicting classifications (1 of 4 stars). 6 submissions from 6 submitters: Uncertain significance (5); Benign (1). Last evaluated 2025-07-21.

Conditions:
Hereditary nonpolyposis colorectal neoplasms. Identifiers: MedGen C0009405, MeSH D003123.
Hereditary cancer-predisposing syndrome. Also called: Hereditary Cancer Syndrome; Hereditary neoplastic syndrome; Neoplastic Syndromes, Hereditary; Tumor predisposition. Identifiers: Orphanet 140162, MedGen C0027672, MeSH D009386, MONDO:0015356.
Lynch syndrome. Identifiers: Orphanet 144, MedGen C4552100, MONDO:0005835. Disease mechanism: loss of function.
Endometrial carcinoma. Also called: Endometrial carcinoma, somatic. Identifiers: MedGen C0476089, MONDO:0002447, OMIM 608089, HP:0012114.

Submissions (6):

Labcorp Genetics (formerly Invitae), Labcorp
Classification: Benign for Hereditary nonpolyposis colorectal neoplasms. Last evaluated: 2025-07-21. Review status: criteria provided, single submitter. Criteria: Invitae Variant Classification Sherloc (09022015). Collection method: clinical testing. Allele origin: germline.

Ambry Genetics
Classification: Uncertain significance for Hereditary cancer-predisposing syndrome. Last evaluated: 2024-11-24. Review status: criteria provided, single submitter. Criteria: Ambry Variant Classification Scheme 2023. Collection method: clinical testing. Allele origin: germline.
Comment: The p.A1302T variant (also known as c.3904G>A), located in coding exon 9 of the MSH6 gene, results from a G to A substitution at nucleotide position 3904. The alanine at codon 1302 is replaced by threonine, an amino acid with similar properties. This amino acid position is highly conserved in available vertebrate species. In addition, this alteration is predicted to be deleterious by in silico analysis. Since supporting evidence is limited at this time, the clinical significance of this alteration remains unclear.

Color Diagnostics, LLC DBA Color Health
Classification: Uncertain significance for Hereditary cancer-predisposing syndrome. Last evaluated: 2024-03-06. Review status: criteria provided, single submitter. Criteria: ACMG Guidelines, 2015. Collection method: clinical testing. Allele origin: germline.
Comment: This missense variant replaces alanine with threonine at codon 1302 of the MSH6 protein. Computational prediction suggests that this variant may have deleterious impact on protein structure and function (internally defined REVEL score threshold >= 0.7, PMID: 27666373). To our knowledge, functional studies have not been reported for this variant. This variant has not been reported in individuals affected with hereditary cancer in the literature. This variant has not been identified in the general population by the Genome Aggregation Database (gnomAD). The available evidence is insufficient to determine the role of this variant in disease conclusively. Therefore, this variant is classified as a Variant of Uncertain Significance.

Baylor Genetics
Classification: Uncertain significance for Endometrial carcinoma. Last evaluated: 2023-09-23. Review status: criteria provided, single submitter. Criteria: ACMG Guidelines, 2015. Collection method: clinical testing. Allele origin: unknown.

All of Us Research Program, National Institutes of Health
Classification: Uncertain significance for Lynch syndrome. Last evaluated: 2023-04-03. Review status: criteria provided, single submitter. Criteria: ACMG Guidelines, 2015. Collection method: clinical testing. Allele origin: germline. Inheritance: Autosomal dominant inheritance. Observed: 1 variant allele, 1 heterozygote.
Comment: This missense variant replaces alanine with threonine at codon 1302 of the MSH6 protein. Computational prediction suggests that this variant may have deleterious impact on protein structure and function (internally defined REVEL score threshold >= 0.7, PMID: 27666373). To our knowledge, functional studies have not been reported for this variant. This variant has not been reported in individuals affected with hereditary cancer in the literature. This variant has not been identified in the general population by the Genome Aggregation Database (gnomAD). The available evidence is insufficient to determine the role of this variant in disease conclusively. Therefore, this variant is classified as a Variant of Uncertain Significance.

This study involves interpretation of variants in research participants for the purpose of population health screening. Participant phenotype was not available at the time of variant classification. Additional details can be found in publication PMID: 35346344, PMCID: PMC8962531

Mendelics
Classification: Uncertain significance for Lynch syndrome. Last evaluated: 2018-07-02. Review status: criteria provided, single submitter. Criteria: Mendelics Assertion Criteria 2017. Collection method: clinical testing. Allele origin: unknown.